The following is an entry in ClinVar:

NM_182916.3(TRNT1):c.1178_1184del (p.Ile393fs)

Gene: TRNT1 (tRNA nucleotidyl transferase 1; plus strand). Cytogenetic location: 3p26.2.
Variant type: Deletion.
Coding change: c.1178_1184del on transcript NM_182916.3 (MANE Select); coding-DNA positions 1178 to 1184, 7 bases deleted (TCAGAAA; older notation c.1178_1184delTCAGAAA).
Protein change: p.Ile393fs; shifts the reading frame from isoleucine 393.
Molecular consequence: frameshift variant. On other transcripts: non-coding transcript variant (8).
Genome position (GRCh38, 1-based): chr3:3,148,027-3,148,033, TCAGAAA deleted; deleting any 7 consecutive bases within chr3:3,148,026-3,148,033 gives the same sequence; the c. name uses the placement nearest the transcript's 3' end. VCF-style (leftmost placement, unchanged base first): chr3-3148025-CATCAGAA-C. GRCh37 (hg19) VCF-style: chr3-3189709-CATCAGAA-C.
Other names: c.1118_1124del, p.Ile373fs (NM_001302946.2); c.1178_1184del, p.Ile393fs (NM_001367321.1, NM_001367322.1, NM_001367323.1); short protein forms I373fs, I393fs.
Identifiers: ClinVar variation 1075271 (VCV001075271.5), dbSNP rs2126038227, ClinGen allele CA2499216648.
Genomic context (GRCh38, chr3:3,148,025, plus strand): 5'-CTGTCTCCTAAAGGAAATGCAGCAGTGGTCCATTCCTCCATTTCCTGTAAGTGGCCATGA[CATCAGAA>C]AAGTGGGCATTTCTTCAGGAAAAGAAATTGGGGCTCTATTACAACAGTTGCGAGAACAGT-3'

ClinVar aggregate classification (germline): Pathogenic (1 of 4 stars; one submission).

Conditions:
Congenital sideroblastic anemia-B-cell immunodeficiency-periodic fever-developmental delay syndrome. Also called: Sideroblastic anemia with B-cell immunodeficiency, periodic fevers, and developmental delay. Identifiers: Orphanet 369861, MedGen C4015172, MONDO:0014487, OMIM 616084.

Submission:

Labcorp Genetics (formerly Invitae), Labcorp
Classification: Pathogenic for Congenital sideroblastic anemia-B-cell immunodeficiency-periodic fever-developmental delay syndrome. Last evaluated: 2020-09-11. Review status: criteria provided, single submitter. Criteria: Invitae Variant Classification Sherloc (09022015). Collection method: clinical testing. Allele origin: germline.
Comment: This variant has not been reported in the literature in individuals with TRNT1-related conditions. For these reasons, this variant has been classified as Pathogenic. This variant disrupts the C-terminus of the TRNT1 protein. Other variant(s) that disrupt this region (p.Ser418Lysfs*9) have been determined to be pathogenic (PMID: 29358286, 2649490). This suggests that variants that disrupt this region of the protein are likely to be causative of disease. This variant is not present in population databases (ExAC no frequency). This sequence change results in a premature translational stop signal in the TRNT1 gene (p.Ile393Lysfs*34). While this is not anticipated to result in nonsense mediated decay, it is expected to disrupt the last 42 amino acids of the TRNT1 protein.

Literature cited by the submitters: PubMed 29358286; PubMed 2649490.